The following is an entry in ClinVar:

ClinVar aggregate classification (germline): Pathogenic/Likely pathogenic. Review status: criteria provided, multiple submitters, no conflicts (2 of 4 stars). 7 submissions from 7 submitters: Pathogenic (5); Likely pathogenic (1). 1 of the submissions does not count toward it. Last evaluated 2025-06-01.

Conditions:
BEST1-related disorder. Also called: BEST1-related disorders; BEST1-related condition. Identifiers: MedGen CN239200.
Retinal dystrophy. Also called: Inherited retinal dystrophy. Identifiers: Orphanet 71862, MedGen C0854723, MeSH D058499, MONDO:0019118, HP:0000556.
Vitelliform macular dystrophy 2. Also called: Best vitelliform macular dystrophy, multifocal; Best Macular Dystrophy; MACULAR DEGENERATION, POLYMORPHIC VITELLINE; VITELLIFORM MACULAR DYSTROPHY, EARLY-ONSET; VITELLIFORM MACULAR DYSTROPHY, JUVENILE-ONSET; Best Vitelliform Macular Dystrophy (BVMD). Identifiers: Orphanet 1243, MedGen C2745945, MONDO:0007931, OMIM 153700.

Submissions (7):

CeGaT Center for Human Genetics Tuebingen
Classification: Likely pathogenic. Last evaluated: 2025-06-01. Review status: criteria provided, single submitter. Criteria: CeGaT Center For Human Genetics Tuebingen Variant Classification Criteria Version 2. Collection method: clinical testing. Allele origin: germline. Affected: yes. Observed: 1 variant allele.
Comment: BEST1: PS4, PM2, PP3, PS3:Supporting

Bioscientia Institut fuer Medizinische Diagnostik GmbH, Sonic Healthcare
Classification: Pathogenic for Vitelliform macular dystrophy 2. Last evaluated: 2025-03-11. Review status: criteria provided, single submitter. Criteria: ACMG Guidelines, 2015. Collection method: clinical testing. Allele origin: germline. Affected: yes.

Labcorp Genetics (formerly Invitae), Labcorp
Classification: Pathogenic. Last evaluated: 2023-08-10. Review status: criteria provided, single submitter. Criteria: Invitae Variant Classification Sherloc (09022015). Collection method: clinical testing. Allele origin: germline.
Comment: This sequence change replaces tryptophan, which is neutral and slightly polar, with cysteine, which is neutral and slightly polar, at codon 24 of the BEST1 protein (p.Trp24Cys). This variant is not present in population databases (gnomAD no frequency). This missense change has been observed in individuals with autosomal dominant BEST1-related conditions (PMID: 9700209, 21077756, 25082885). It has also been observed to segregate with disease in related individuals. ClinVar contains an entry for this variant (Variation ID: 99750). Advanced modeling of protein sequence and biophysical properties (such as structural, functional, and spatial information, amino acid conservation, physicochemical variation, residue mobility, and thermodynamic stability) performed at Invitae indicates that this missense variant is expected to disrupt BEST1 protein function. Experimental studies have shown that this missense change affects BEST1 function (PMID: 21878505). For these reasons, this variant has been classified as Pathogenic.

Blueprint Genetics
Classification: Pathogenic for BEST1-related disorders. Last evaluated: 2022-04-23. Review status: criteria provided, single submitter. Criteria: ACMG Guidelines, 2015. Collection method: clinical testing. Allele origin: germline. Affected: yes. Observed: 3 variant alleles.

Institute of Human Genetics, Univ. Regensburg, Univ. Regensburg
Classification: Pathogenic for Retinal dystrophy. Last evaluated: 2020-01-01. Review status: criteria provided, single submitter. Criteria: ACMG Guidelines, 2015. Collection method: clinical testing. Allele origin: germline. Affected: yes.

Clinical Genetics Service, Universitary Hospital 12 de Octubre
Classification: Pathogenic for Vitelliform macular dystrophy 2. Review status: criteria provided, single submitter. Criteria: ACMG Guidelines, 2015. Collection method: clinical testing. Allele origin: germline. Affected: yes.

Retina International
No classification provided. Review status: no classification provided. Collection method: not provided. Allele origin: not provided. Not counted in ClinVar's aggregate classification.

Literature cited by the submitters: PubMed 9700209 (cited by Labcorp Genetics (formerly Invitae), Labcorp and Institute of Human Genetics, Univ. Regensburg, Univ. Regensburg); PubMed 21077756 (cited by Labcorp Genetics (formerly Invitae), Labcorp); PubMed 25082885 (cited by Labcorp Genetics (formerly Invitae), Labcorp); PubMed 21878505 (cited by Labcorp Genetics (formerly Invitae), Labcorp and Institute of Human Genetics, Univ. Regensburg, Univ. Regensburg); PubMed 32531858 (cited by Institute of Human Genetics, Univ. Regensburg, Univ. Regensburg); PubMed 34327816 (cited by Institute of Human Genetics, Univ. Regensburg, Univ. Regensburg); PubMed 36284670 (cited by Institute of Human Genetics, Univ. Regensburg, Univ. Regensburg).

NM_004183.4(BEST1):c.72G>T (p.Trp24Cys)

Gene: BEST1 (bestrophin 1; plus strand). Cytogenetic location: 11q12.3.
Variant type: single nucleotide variant.
Coding change: c.72G>T on transcript NM_004183.4 (MANE Select); coding-DNA position 72, G replaced by T.
Protein change: p.Trp24Cys; replaces tryptophan 24 with cysteine.
Molecular consequence: missense variant. On other transcripts: non-coding transcript variant (1), intron variant (6).
Genome position (GRCh38, 1-based): chr11:61,951,878, G>T. VCF-style: chr11-61951878-G-T. GRCh37 (hg19) VCF-style: chr11-61719350-G-T.
Other names: c.72G>T, p.Trp24Cys (NM_001440571.1, NM_001440572.1, NM_001440573.1 and 1 more transcripts); c.-29+1451G>T (NM_001139443.3, NM_001300787.2, NM_001440574.1 and 3 more transcripts); short protein forms W24C.
Identifiers: ClinVar variation 99750 (VCV000099750.16), dbSNP rs281865213, ClinGen allele CA227816.